The following is an entry in ClinVar:

NM_014633.5(CTR9):c.417A>C (p.Leu139=)

Gene: CTR9 (CTR9 component of Paf1/RNA polymerase II complex; plus strand). Cytogenetic location: 11p15.4.
Variant type: single nucleotide variant.
Coding change: c.417A>C on transcript NM_014633.5 (MANE Select); coding-DNA position 417, A replaced by C.
Protein change: p.Leu139=; no amino-acid change (leucine 139 retained).
Molecular consequence: synonymous variant.
Genome position (GRCh38, 1-based): chr11:10,755,710, A>C. VCF-style: chr11-10755710-A-C. GRCh37 (hg19) VCF-style: chr11-10777257-A-C.
Other names: c.417A>C, p.Leu139= (NM_001346279.2).
Identifiers: ClinVar variation 4085744 (VCV004085744.8).

ClinVar aggregate classification (germline): Likely benign (1 of 4 stars; one submission).

Submission:

CeGaT Center for Human Genetics Tuebingen
Classification: Likely benign. Last evaluated: 2025-08-01. Review status: criteria provided, single submitter. Criteria: CeGaT Center For Human Genetics Tuebingen Variant Classification Criteria Version 2. Collection method: clinical testing. Allele origin: germline. Affected: yes. Observed: 1 variant allele.
Comment: CTR9: PM2:Supporting, BP4, BP7